The following is an entry in ClinVar:

NM_018718.3(CEP41):c.705G>A (p.Ala235=)

Gene: CEP41 (centrosomal protein 41; minus strand). Cytogenetic location: 7q32.2.
Variant type: single nucleotide variant.
Coding change: c.705G>A on transcript NM_018718.3 (MANE Select); coding-DNA position 705, G replaced by A.
Protein change: p.Ala235=; no amino-acid change (alanine 235 retained).
Molecular consequence: synonymous variant. On other transcripts: non-coding transcript variant (1).
Genome position (GRCh38, 1-based): chr7:130,400,759, C>T on the plus strand (G>A on the coding strand, the complement: CEP41 is on the minus strand). VCF-style: chr7-130400759-C-T. GRCh37 (hg19) VCF-style: chr7-130040600-C-T.
Other names: c.705G>A, p.Ala235= (NM_001257158.2); c.657G>A, p.Ala219= (NM_001257159.2); c.705G>A (NM_018718.2).
Identifiers: ClinVar variation 1124894 (VCV001124894.12), dbSNP rs149052906, ClinGen allele CA4485489.

ClinVar aggregate classification (germline): Likely benign. Review status: criteria provided, multiple submitters, no conflicts (2 of 4 stars). 3 submissions from 3 submitters: Likely benign (2). 1 of the submissions does not count toward it. Last evaluated 2024-11-05.

Conditions:
CEP41-related disorder. Also called: CEP41-related condition.
Joubert syndrome 15 (JBTS15). Identifiers: Orphanet 475, MedGen C3280897, MONDO:0013763, OMIM 614464.

Allele frequency attached by ClinVar (database versions not stated): gnomAD 0.00001 and 0.00002; ExAC 0.00006; gnomAD exomes 0.00006; ESP Exome Variant Server 0.00008.
gnomAD v4.1: 59 of 1,613,686 alleles (0.0037%); highest among the groups gnomAD compares: Middle Eastern, 0.033%; no homozygotes.

Submissions (3):

Labcorp Genetics (formerly Invitae), Labcorp
Classification: Likely benign for Joubert syndrome 15. Last evaluated: 2024-11-05. Review status: criteria provided, single submitter. Criteria: Invitae Variant Classification Sherloc (09022015). Collection method: clinical testing. Allele origin: germline.

Blueprint Genetics
Classification: Likely benign. Last evaluated: 2024-06-11. Review status: criteria provided, single submitter. Criteria: ACMG Guidelines, 2015. Collection method: clinical testing. Allele origin: germline.

PreventionGenetics, part of Exact Sciences
Classification: Likely benign for CEP41-related condition. Last evaluated: 2019-05-23. Review status: no assertion criteria provided. Collection method: clinical testing. Allele origin: germline. Not counted in ClinVar's aggregate classification.
Comment: This variant is classified as likely benign based on ACMG/AMP sequence variant interpretation guidelines (Richards et al. 2015 PMID: 25741868, with internal and published modifications).